The following is an entry in ClinVar:

NC_012920.1(MT-CYB):m.15519T>A

Gene: MT-CYB (mitochondrially encoded cytochrome b; plus strand).
Variant type: single nucleotide variant.
Genome position: chrM-15519-T-A.
Identifiers: ClinVar variation 693897 (VCV000693897.1), dbSNP rs200913192, ClinGen allele CA913174090.

ClinVar aggregate classification (germline): Uncertain significance (1 of 4 stars; one submission).

Conditions:
Leigh syndrome (NULS). Also called: Leigh's necrotizing encephalopathy; Leigh's disease; Leigh's syndrome; LEIGH SYNDROME, NUCLEAR; Leigh Syndrome (mtDNA deletion); Leigh Disease. Identifiers: Orphanet 506, MedGen C2931891, MONDO:0009723, OMIM 256000.

Submission:

Wong Mito Lab, Molecular and Human Genetics, Baylor College of Medicine
Classification: Uncertain significance for Leigh syndrome. Last evaluated: 2019-10-17. Review status: criteria provided, single submitter. Criteria: Modified ACMG Guidelines (Unpublished). Collection method: clinical testing. Allele origin: germline.
Comment: The NC_012920.1:m.15519T>A (YP_003024038.1:p.Leu258Gln) variant in MTCYB gene is interpretated to be a Uncertain Significance variant based on the modified ACMG guidelines (unpublished). This variant meets the following evidence codes: PP4